The following is an entry in ClinVar:

ClinVar aggregate classification (germline): Uncertain significance (1 of 4 stars; one submission).

Conditions:
Charcot-Marie-Tooth disease axonal type 2K (CMT2K). Also called: CHARCOT-MARIE-TOOTH DISEASE, AXONAL, AUTOSOMAL RECESSIVE, TYPE 2K; Charcot-Marie-Tooth disease type 2K; CHARCOT-MARIE-TOOTH NEUROPATHY, AXONAL, TYPE 2K. Identifiers: Orphanet 101097, Orphanet 99944, MedGen C1842983, MONDO:0011916, OMIM 607831.

Submission:

MVZ Medizinische Genetik Mainz
Classification: Uncertain significance for Charcot-Marie-Tooth disease axonal type 2K. Last evaluated: 2025-09-25. Review status: criteria provided, single submitter. Criteria: UK Practice Guidelines For Variant Classification V4 01 2020. Collection method: clinical testing. Allele origin: germline. Inheritance: Autosomal recessive inheritance. Observed: 1 variant allele.
Comment: ACMG Criteria: PM2_SUP,PP3

NM_018972.4(GDAP1):c.118-6T>C

Gene: GDAP1 (ganglioside induced differentiation associated protein 1; plus strand). Cytogenetic location: 8q21.11.
Variant type: single nucleotide variant.
Coding change: c.118-6T>C on transcript NM_018972.4 (MANE Select); 6 bases into the intron before coding-DNA position 118, T replaced by C.
Molecular consequence: intron variant.
Genome position (GRCh38, 1-based): chr8:74,351,268, T>C. VCF-style: chr8-74351268-T-C. GRCh37 (hg19) VCF-style: chr8-75263503-T-C.
Other names: c.118-6T>C (NM_001362931.2, NM_001362930.2); c.-65-6T>C (NM_001362929.2); c.-18+690T>C (NM_001362932.2); c.-63-30T>C (NM_001040875.4).
Identifiers: ClinVar variation 4526498 (VCV004526498.1).